The following is an entry in ClinVar:

NM_015512.5(DNAH1):c.2645A>G (p.Glu882Gly)

Gene: DNAH1 (dynein axonemal heavy chain 1; plus strand). Cytogenetic location: 3p21.1.
Variant type: single nucleotide variant.
Coding change: c.2645A>G on transcript NM_015512.5 (MANE Select); coding-DNA position 2645, A replaced by G.
Protein change: p.Glu882Gly; replaces glutamic acid 882 with glycine.
Molecular consequence: missense variant.
Genome position (GRCh38, 1-based): chr3:52,350,107, A>G. VCF-style: chr3-52350107-A-G. GRCh37 (hg19) VCF-style: chr3-52384123-A-G.
Other names: short protein forms E882G.
Identifiers: ClinVar variation 2118973 (VCV002118973.4), dbSNP rs1702311451, ClinGen allele CA353104417.

ClinVar aggregate classification (germline): Uncertain significance (1 of 4 stars; one submission).

Conditions:
Spermatogenic failure 18. Identifiers: MedGen C4539783, MONDO:0054615, OMIM 617576.
Ciliary dyskinesia, primary, 37 (CILD37). Also called: CILIARY DYSKINESIA, PRIMARY, 37, WITH OR WITHOUT SITUS INVERSUS. Identifiers: MedGen C4539798, MONDO:0033204, OMIM 617577.

Submission:

Labcorp Genetics (formerly Invitae), Labcorp
Classification: Uncertain significance for Ciliary dyskinesia, primary, 37; Spermatogenic failure 18. Last evaluated: 2023-12-18. Review status: criteria provided, single submitter. Criteria: Invitae Variant Classification Sherloc (09022015). Collection method: clinical testing. Allele origin: germline.
Comment: This sequence change replaces glutamic acid, which is acidic and polar, with glycine, which is neutral and non-polar, at codon 882 of the DNAH1 protein (p.Glu882Gly). This variant is not present in population databases (gnomAD no frequency). This variant has not been reported in the literature in individuals affected with DNAH1-related conditions. ClinVar contains an entry for this variant (Variation ID: 2118973). An algorithm developed to predict the effect of missense changes on protein structure and function (PolyPhen-2) suggests that this variant is likely to be tolerated. Algorithms developed to predict the effect of sequence changes on RNA splicing suggest that this variant may disrupt the consensus splice site. In summary, the available evidence is currently insufficient to determine the role of this variant in disease. Therefore, it has been classified as a Variant of Uncertain Significance.